The following is an entry in ClinVar:

ClinVar aggregate classification (germline): Uncertain significance. Review status: criteria provided, multiple submitters, no conflicts (2 of 4 stars). 2 submissions from 2 submitters: Uncertain significance (2). Last evaluated 2025-08-21.

Conditions:
Inborn genetic diseases. Identifiers: MedGen C0950123, MeSH D030342.

Allele frequency attached by ClinVar (database versions not stated): gnomAD exomes below 0.00001 and 0.00001; ExAC 0.00001.
gnomAD v4.1: 4 of 1,614,014 alleles (0.00025%); highest among the groups gnomAD compares: African/African-American, 0.0013%; no homozygotes.

Submissions (2):

Ambry Genetics
Classification: Uncertain significance for Inborn genetic diseases. Last evaluated: 2025-08-21. Review status: criteria provided, single submitter. Criteria: Ambry Variant Classification Scheme 2023. Collection method: clinical testing. Allele origin: germline.

GeneDx
Classification: Uncertain significance. Last evaluated: 2017-06-06. Review status: criteria provided, single submitter. Criteria: GeneDx Variant Classification (06012015). Collection method: clinical testing. Allele origin: germline. Affected: yes.
Comment: The A565S variant in the TCOF1 gene has not been published as a pathogenic variant, nor has it been reported as a benign variant to our knowledge. The A565S variant is a non-conservative amino acid substitution, which is likely to impact secondary protein structure as these residues differ in polarity, charge, size and/or other properties. This substitution occurs at a position that is not conserved, and in silico analysis predicts this variant likely does not alter the protein structure/function. Based on currently available evidence, it is unclear whether A565S is a pathogenic variant or a rare benign variant.

NM_001371623.1(TCOF1):c.1693G>T (p.Ala565Ser)

Gene: TCOF1 (treacle ribosome biogenesis factor 1; plus strand). Cytogenetic location: 5q32.
Variant type: single nucleotide variant.
Coding change: c.1693G>T on transcript NM_001371623.1 (MANE Select); coding-DNA position 1693, G replaced by T.
Protein change: p.Ala565Ser; replaces alanine 565 with serine.
Molecular consequence: missense variant.
Genome position (GRCh38, 1-based): chr5:150,375,543, G>T. VCF-style: chr5-150375543-G-T. GRCh37 (hg19) VCF-style: chr5-149755106-G-T.
Other names: c.1462G>T, p.Ala488Ser (NM_000356.4, NM_001135245.2); c.1693G>T, p.Ala565Ser (NM_001008657.3, NM_001135243.2, NM_001135244.2 and 1 more transcripts); short protein forms A488S, A565S.
Identifiers: ClinVar variation 432773 (VCV000432773.3), dbSNP rs746889823, ClinGen allele CA3510943.
Genomic context (GRCh38, chr5:150,375,543, plus strand): 5'-TCAGAGAGCAGTAGTGAGGAGTCATCAGACAGCAGTGATGGAGAGGTGCCCACAGCTGTG[G>T]CCCCGGCTCAGGTGAGGCCCCTTCCTGTAAGGCTCTTTCTTTTTCCCCCCCACTCAGAGT-3'
Protein context (NP_001358552.1, residues 555-575): SSDGEVPTAV[Ala565Ser]PAQEKSLGNI